The following is an entry in ClinVar:

ClinVar aggregate classification (germline): Uncertain significance (1 of 4 stars; one submission).

Allele frequency attached by ClinVar (database versions not stated): gnomAD exomes below 0.00001; gnomAD 0.00001; TOPMed 0.00002.
gnomAD v4.1: 6 of 1,514,008 alleles (0.0004%); highest among the groups gnomAD compares: East Asian, 0.0077%; no homozygotes.

Submission:

Women's Health and Genetics/Laboratory Corporation of America, LabCorp
Classification: Uncertain significance. Last evaluated: 2023-10-23. Review status: criteria provided, single submitter. Criteria: LabCorp Variant Classification Summary - May 2015. Collection method: clinical testing. Allele origin: germline.
Comment: Variant summary: CD164 c.-12G>A is located in the untranslated mRNA region upstream of the initiation codon. The variant allele was found at a frequency of 7.4e-06 in 134938 control chromosomes (gnomAD). The available data on variant occurrences in the general population are insufficient to allow any conclusion about variant significance. To our knowledge, no occurrence of c.-12G>A in individuals affected with Autosomal Dominant Nonsyndromic Hearing Loss and no experimental evidence demonstrating its impact on protein function have been reported. No submitters have cited clinical-significance assessments for this variant to ClinVar after 2014. Based on the evidence outlined above, the variant was classified as uncertain significance.

NM_006016.6(CD164):c.-12G>A

Gene: CD164 (CD164 molecule; minus strand). Cytogenetic location: 6q21.
Variant type: single nucleotide variant.
Coding change: c.-12G>A on transcript NM_006016.6 (MANE Select); 12 bases upstream of the start codon, G replaced by A.
Molecular consequence: 5 prime UTR variant.
Genome position (GRCh38, 1-based): chr6:109,382,390, C>T on the plus strand (G>A on the coding strand, the complement: CD164 is on the minus strand). VCF-style: chr6-109382390-C-T. GRCh37 (hg19) VCF-style: chr6-109703593-C-T.
Other names: c.-12G>A (NM_001142401.3, NM_001142402.3, NM_001142403.3 and 1 more transcripts).
Identifiers: ClinVar variation 2637867 (VCV002637867.1), dbSNP rs1490904351, ClinGen allele CA569582162.
Genomic context (GRCh38, chr6:109,382,390, plus strand): 5'-CGCCCAGGCAGGTGGCGGCCCAAAGCAGTGAGCGGGAGAGCCGCGACATCGTGTCCTCAG[C>T]GCTGGCGTTCGGGAGAAAGCTAAGGCTCGCAACGCTCAGTCAACCCCTCAATCCCCTGCG-3'